The following is an entry in ClinVar:

NM_001433706.1(NLRP8):c.850C>A (p.Leu284Ile)

Gene: NLRP8 (NLR family pyrin domain containing 8; plus strand). Cytogenetic location: 19q13.43.
Variant type: single nucleotide variant.
Coding change: c.850C>A on transcript NM_001433706.1 (MANE Select); coding-DNA position 850, C replaced by A.
Protein change: p.Leu284Ile; replaces leucine 284 with isoleucine.
Molecular consequence: missense variant.
Genome position (GRCh38, 1-based): chr19:55,954,908, C>A. VCF-style: chr19-55954908-C-A. GRCh37 (hg19) VCF-style: chr19-56466274-C-A.
Other names: NM_176811.2:c.850C>A; c.850C>A, p.Leu284Ile (NM_001317000.1); short protein forms L284I.
Identifiers: ClinVar variation 103333 (VCV000103333.2), dbSNP rs199475836, ClinGen allele CA230429.

ClinVar aggregate classification (germline): not provided (0 of 4 stars; one submission).

Submission:

Human Evolutionary Genetics, Institut Pasteur
No classification provided. Review status: no classification provided. Collection method: not provided. Allele origin: germline.
ClinVar note: Converted during submission from untested to not provided.